The following is an entry in ClinVar:

NM_002485.5(NBN):c.310A>G (p.Ser104Gly)

Gene: NBN (nibrin; minus strand). Cytogenetic location: 8q21.3.
Variant type: single nucleotide variant.
Coding change: c.310A>G on transcript NM_002485.5 (MANE Select); coding-DNA position 310, A replaced by G.
Protein change: p.Ser104Gly; replaces serine 104 with glycine.
Molecular consequence: missense variant.
Genome position (GRCh38, 1-based): chr8:89,981,385, T>C on the plus strand (A>G on the coding strand, the complement: NBN is on the minus strand). VCF-style: chr8-89981385-T-C. GRCh37 (hg19) VCF-style: chr8-90993613-T-C.
Other names: c.64A>G, p.Ser22Gly (NM_001024688.3); short protein forms S104G, S22G.
Identifiers: ClinVar variation 230120 (VCV000230120.16), dbSNP rs876658400, ClinGen allele CA10578805.

ClinVar aggregate classification (germline): Uncertain significance. Review status: criteria provided, multiple submitters, no conflicts (2 of 4 stars). 3 submissions from 3 submitters: Uncertain significance (3). Last evaluated 2024-08-23.

Conditions:
Hereditary cancer-predisposing syndrome. Also called: Hereditary Cancer Syndrome; Neoplastic Syndromes, Hereditary; Tumor predisposition; Hereditary neoplastic syndrome. Identifiers: Orphanet 140162, MedGen C0027672, MeSH D009386, MONDO:0015356.
Microcephaly, normal intelligence and immunodeficiency (NBS). Also called: BERLIN BREAKAGE SYNDROME; Ataxia telangiectasia variant V1; IMMUNODEFICIENCY, MICROCEPHALY, AND CHROMOSOMAL INSTABILITY; SEEMANOVA SYNDROME II; Nijmegen breakage syndrome; Microcephaly with normal intelligence immunodeficiency and lymphoreticular malignancies. Identifiers: Orphanet 647, MedGen C0398791, MONDO:0009623, OMIM 251260.

Submissions (3):

Ambry Genetics
Classification: Uncertain significance for Hereditary cancer-predisposing syndrome. Last evaluated: 2024-08-23. Review status: criteria provided, single submitter. Criteria: Ambry Variant Classification Scheme 2023. Collection method: clinical testing. Allele origin: germline.
Comment: The p.S104G variant (also known as c.310A>G), located in coding exon 3 of the NBN gene, results from an A to G substitution at nucleotide position 310. The serine at codon 104 is replaced by glycine, an amino acid with similar properties. This amino acid position is highly conserved in available vertebrate species. In addition, the in silico prediction for this alteration is inconclusive. Based on the available evidence, the clinical significance of this variant remains unclear.

Labcorp Genetics (formerly Invitae), Labcorp
Classification: Uncertain significance for Microcephaly, normal intelligence and immunodeficiency. Last evaluated: 2022-01-26. Review status: criteria provided, single submitter. Criteria: Invitae Variant Classification Sherloc (09022015). Collection method: clinical testing. Allele origin: germline.
Comment: In summary, the available evidence is currently insufficient to determine the role of this variant in disease. Therefore, it has been classified as a Variant of Uncertain Significance. Algorithms developed to predict the effect of sequence changes on RNA splicing suggest that this variant may create or strengthen a splice site. Algorithms developed to predict the effect of missense changes on protein structure and function are either unavailable or do not agree on the potential impact of this missense change (SIFT: "Deleterious"; PolyPhen-2: "Probably Damaging"; Align-GVGD: "Class C0"). ClinVar contains an entry for this variant (Variation ID: 230120). This variant has not been reported in the literature in individuals affected with NBN-related conditions. This variant is not present in population databases (gnomAD no frequency). This sequence change replaces serine, which is neutral and polar, with glycine, which is neutral and non-polar, at codon 104 of the NBN protein (p.Ser104Gly).

Genome-Nilou Lab
Classification: Uncertain significance for Microcephaly, normal intelligence and immunodeficiency. Last evaluated: 2021-11-07. Review status: criteria provided, single submitter. Criteria: ACMG Guidelines, 2015. Collection method: clinical testing. Allele origin: germline. Affected: no.